The following is an entry in ClinVar:

NM_001127511.3(APC):c.-78C>G

Gene: APC (APC regulator of Wnt signaling pathway; plus strand). Cytogenetic location: 5q22.2.
Variant type: single nucleotide variant.
Coding change: c.-78C>G on transcript NM_001127511.3; 78 bases upstream of the start codon, C replaced by G.
Molecular consequence: 5 prime UTR variant. On other transcripts: non-coding transcript variant (2).
Genome position (GRCh38, 1-based): chr5:112,707,640, C>G. VCF-style: chr5-112707640-C-G. GRCh37 (hg19) VCF-style: chr5-112043337-C-G.
Other names: c.-261C>G (NM_001354895.2, NM_001407447.1, NM_001407452.1 and 3 more transcripts); c.-78C>G (NM_001354897.2, NM_001354902.2, NM_001407446.1); c.-28C>G (NM_001407448.1, NM_001407450.1, NM_001407457.1 and 1 more transcripts); c.-52C>G (NM_001407453.1); c.-1296C>G (NM_001407470.1, NM_001407472.1).
Identifiers: ClinVar variation 1045228 (VCV001045228.47), dbSNP rs953008592, ClinGen allele CA1573442579.

ClinVar aggregate classification (germline): Uncertain significance (1 of 4 stars; one submission).

Conditions:
Familial adenomatous polyposis 1 (FAP1). Also called: FAMILIAL ADENOMATOUS POLYPOSIS 1, ATTENUATED; POLYPOSIS, ADENOMATOUS INTESTINAL. Identifiers: MedGen C2713442, MONDO:0021056, OMIM 175100. Disease mechanism: loss of function.

gnomAD v4.1: 2 of 1,350,676 alleles (0.00015%); highest among the groups gnomAD compares: Admixed American, 0.0022%; no homozygotes.

Submission:

Labcorp Genetics (formerly Invitae), Labcorp
Classification: Uncertain significance for Familial adenomatous polyposis 1. Last evaluated: 2024-11-04. Review status: criteria provided, single submitter. Criteria: Invitae Variant Classification Sherloc (09022015). Collection method: clinical testing. Allele origin: germline.
Comment: This variant occurs in a non-coding region of the APC gene. It does not change the encoded amino acid sequence of the APC protein. This variant is not present in population databases (gnomAD no frequency). This variant has not been reported in the literature in individuals affected with APC-related conditions. Experimental studies and prediction algorithms are not available or were not evaluated, and the functional significance of this variant is currently unknown. In summary, the available evidence is currently insufficient to determine the role of this variant in disease. Therefore, it has been classified as a Variant of Uncertain Significance.